The following is an entry in ClinVar:

NM_000321.3(RB1):c.2490-22G>T

Gene: RB1 (RB transcriptional corepressor 1; plus strand). Cytogenetic location: 13q14.2.
Variant type: single nucleotide variant.
Coding change: c.2490-22G>T on transcript NM_000321.3 (MANE Select); 22 bases into the intron before coding-DNA position 2490, G replaced by T.
Molecular consequence: intron variant.
Genome position (GRCh38, 1-based): chr13:48,473,338, G>T. VCF-style: chr13-48473338-G-T. GRCh37 (hg19) VCF-style: chr13-49047474-G-T.
Other names: c.2490-22G>T (NM_001407165.1).
Identifiers: ClinVar variation 3679234 (VCV003679234.3).

ClinVar aggregate classification (germline): Benign/Likely benign. Review status: criteria provided, multiple submitters, no conflicts (2 of 4 stars). 2 submissions from 2 submitters: Benign (1); Likely benign (1). Last evaluated 2026-06-25.

Conditions:
Retinoblastoma (RB1). Also called: RETINOBLASTOMA, SOMATIC. Identifiers: Orphanet 790, MedGen C0035335, MeSH D012175, MONDO:0008380, OMIM 180200, HP:0009919. Disease mechanism: loss of function. Inheritance: Both sporadic and heritable forms are tested..

Submissions (2):

Myriad Genetics, Inc.
Classification: Benign for Retinoblastoma. Last evaluated: 2026-06-25. Review status: criteria provided, single submitter. Criteria: Myriad Autosomal Dominant, Autosomal Recessive and X-Linked Classification Criteria (2023). Collection method: clinical testing. Allele origin: unknown.
Comment: This variant is considered benign. This variant is intronic and is not expected to impact mRNA splicing.

Labcorp Genetics (formerly Invitae), Labcorp
Classification: Likely benign for Retinoblastoma. Last evaluated: 2024-06-15. Review status: criteria provided, single submitter. Criteria: Invitae Variant Classification Sherloc (09022015). Collection method: clinical testing. Allele origin: germline.